The following is an entry in ClinVar:

ClinVar aggregate classification (germline): Conflicting classifications of pathogenicity. Review status: criteria provided, conflicting classifications (1 of 4 stars). 2 submissions from 2 submitters: Pathogenic (1); Uncertain significance (1). Last evaluated 2025-04-07.

Conditions:
Tatton-Brown-Rahman overgrowth syndrome. Also called: Tall stature-intellectual disability-facial dysmorphism syndrome; Tatton-Brown-Rahman syndrome. Identifiers: Orphanet 404443, MedGen C4014545, MONDO:0014382, OMIM 615879.

Allele frequency attached by ClinVar (database versions not stated): gnomAD 0.00001; gnomAD exomes 0.00001.
gnomAD v4.1: 6 of 1,610,910 alleles (0.00037%); highest among the groups gnomAD compares: Admixed American, 0.0033%; no homozygotes.

Submissions (2):

GeneDx
Classification: Uncertain significance. Last evaluated: 2025-04-07. Review status: criteria provided, single submitter. Criteria: GeneDx Variant Classification Process June 2021. Collection method: clinical testing. Allele origin: germline. Affected: yes.
Comment: In silico analysis supports a deleterious effect on splicing; Has not been previously published as pathogenic or benign to our knowledge

Labcorp Genetics (formerly Invitae), Labcorp
Classification: Pathogenic for Tatton-Brown-Rahman overgrowth syndrome. Last evaluated: 2018-03-28. Review status: criteria provided, single submitter. Criteria: Invitae Variant Classification Sherloc (09022015). Collection method: clinical testing. Allele origin: germline.
Comment: This sequence change falls in intron 7 of the DNMT3A gene. It does not directly change the encoded amino acid sequence of the DNMT3A protein. This variant is not present in population databases (ExAC no frequency). This variant has been reported to be de novo in individuals affected with Tatton-Brown-Rahman syndrome (Invitae). Algorithms developed to predict the effect of sequence changes on RNA splicing suggest that this variant may disrupt the consensus splice site, but this prediction has not been confirmed by published transcriptional studies. For these reasons, this variant has been classified as Pathogenic.

NM_022552.5(DNMT3A):c.856-10G>A

Gene: DNMT3A (DNA methyltransferase 3 alpha; minus strand). Cytogenetic location: 2p23.3.
Variant type: single nucleotide variant.
Coding change: c.856-10G>A on transcript NM_022552.5 (MANE Select); 10 bases into the intron before coding-DNA position 856, G replaced by A.
Molecular consequence: intron variant.
Genome position (GRCh38, 1-based): chr2:25,247,759, C>T on the plus strand (G>A on the coding strand, the complement: DNMT3A is on the minus strand). VCF-style: chr2-25247759-C-T. GRCh37 (hg19) VCF-style: chr2-25470628-C-T.
Other names: c.856-10G>A (NM_175629.2); c.289-10G>A (NM_153759.3); c.400-10G>A (NM_001320893.1); c.187-10G>A (NM_001375819.1).
Identifiers: ClinVar variation 1070300 (VCV001070300.10), dbSNP rs913561874, ClinGen allele CA43706566.